The following is an entry in ClinVar:

ClinVar aggregate classification (germline): Uncertain significance (1 of 4 stars; one submission).

Allele frequency attached by ClinVar (database versions not stated): gnomAD exomes below 0.00001; TOPMed below 0.00001; ExAC 0.00001; gnomAD 0.00001; ESP Exome Variant Server 0.00008.
gnomAD v4.1: 5 of 1,611,198 alleles (0.00031%); highest among the groups gnomAD compares: Admixed American, 0.005%; no homozygotes.

Submission:

Labcorp Genetics (formerly Invitae), Labcorp
Classification: Uncertain significance. Last evaluated: 2022-06-13. Review status: criteria provided, single submitter. Criteria: Invitae Variant Classification Sherloc (09022015). Collection method: clinical testing. Allele origin: germline.
Comment: This sequence change replaces lysine, which is basic and polar, with arginine, which is basic and polar, at codon 274 of the ERCC2 protein (p.Lys274Arg). This variant is present in population databases (rs369933955, gnomAD 0.001%). This variant has not been reported in the literature in individuals affected with ERCC2-related conditions. ClinVar contains an entry for this variant (Variation ID: 1044466). Algorithms developed to predict the effect of missense changes on protein structure and function (SIFT, PolyPhen-2, Align-GVGD) all suggest that this variant is likely to be tolerated. Algorithms developed to predict the effect of sequence changes on RNA splicing suggest that this variant may create or strengthen a splice site. In summary, the available evidence is currently insufficient to determine the role of this variant in disease. Therefore, it has been classified as a Variant of Uncertain Significance.

NM_000400.4(ERCC2):c.821A>G (p.Lys274Arg)

Gene: ERCC2 (ERCC excision repair 2, TFIIH core complex helicase subunit; minus strand). Cytogenetic location: 19q13.32.
Variant type: single nucleotide variant.
Coding change: c.821A>G on transcript NM_000400.4 (MANE Select); coding-DNA position 821, A replaced by G.
Protein change: p.Lys274Arg; replaces lysine 274 with arginine.
Molecular consequence: missense variant.
Genome position (GRCh38, 1-based): chr19:45,364,114, T>C on the plus strand (A>G on the coding strand, the complement: ERCC2 is on the minus strand). VCF-style: chr19-45364114-T-C. GRCh37 (hg19) VCF-style: chr19-45867372-T-C.
Other names: c.749A>G, p.Lys250Arg (NM_001130867.2); short protein forms K250R, K274R.
Identifiers: ClinVar variation 1044466 (VCV001044466.5), dbSNP rs369933955, ClinGen allele CA9513601.
Genomic context (GRCh38, chr19:45,364,114, plus strand): 5'-TCCCGCAGCCCCTCCACCAGACGCCGGTACTCGTCCCGCAGGCGCTGCTCGTCTGTCTCT[T>C]TGATCCTGCGGAGAGATGAGCTGGGGCTGGGAGGGGGCTGGCAACCCTGGGGACAAGTCA-3'
Protein context (NP_000391.1, residues 264-284): ETLQKTVLRI[Lys274Arg]ETDEQRLRDE